The following is an entry in ClinVar:

NM_002755.4(MAP2K1):c.215G>A (p.Ser72Asn)

Gene: MAP2K1 (mitogen-activated protein kinase kinase 1; plus strand). Cytogenetic location: 15q22.31.
Variant type: single nucleotide variant.
Coding change: c.215G>A on transcript NM_002755.4 (MANE Select); coding-DNA position 215, G replaced by A.
Protein change: p.Ser72Asn; replaces serine 72 with asparagine.
Molecular consequence: missense variant.
Genome position (GRCh38, 1-based): chr15:66,435,161, G>A. VCF-style: chr15-66435161-G-A. GRCh37 (hg19) VCF-style: chr15-66727499-G-A.
Other names: c.149G>A, p.Ser50Asn (NM_001411065.1); short protein forms S50N, S72N.
Identifiers: ClinVar variation 2419895 (VCV002419895.8), dbSNP rs547530008, ClinGen allele CA271640782.

ClinVar aggregate classification (germline): Uncertain significance. Review status: criteria provided, multiple submitters, no conflicts (2 of 4 stars). 3 submissions from 3 submitters: Uncertain significance (3). Last evaluated 2025-01-08.

Conditions:
RASopathy. Also called: Noonan spectrum disorder; rasopathies. Identifiers: Orphanet 536391, MedGen C5555857, MONDO:0021060.

Allele frequency attached by ClinVar (database versions not stated): TOPMed below 0.00001; gnomAD 0.00001.
gnomAD v4.1: 4 of 1,614,168 alleles (0.00025%); highest among the groups gnomAD compares: African/African-American, 0.0053%; no homozygotes.

Submissions (3):

GeneDx
Classification: Uncertain significance. Last evaluated: 2025-01-08. Review status: criteria provided, single submitter. Criteria: GeneDx Variant Classification Process June 2021. Collection method: clinical testing. Allele origin: germline. Affected: yes.
Comment: Has not been previously published as pathogenic or benign to our knowledge; Not observed at significant frequency in large population cohorts (gnomAD); Missense variants in this gene are a common cause of disease and they are underrepresented in the general population; In silico analysis indicates that this missense variant does not alter protein structure/function

Division of Human Genetics, National Health Laboratory Service/University of the Witwatersrand
Classification: Uncertain significance for RASopathy. Last evaluated: 2023-07-01. Review status: criteria provided, single submitter. Criteria: ACMG Guidelines, 2015. Collection method: research. Allele origin: germline. Affected: yes.

Labcorp Genetics (formerly Invitae), Labcorp
Classification: Uncertain significance for RASopathy. Last evaluated: 2022-11-26. Review status: criteria provided, single submitter. Criteria: Invitae Variant Classification Sherloc (09022015). Collection method: clinical testing. Allele origin: germline.
Comment: This sequence change replaces serine, which is neutral and polar, with asparagine, which is neutral and polar, at codon 72 of the MAP2K1 protein (p.Ser72Asn). This variant is not present in population databases (gnomAD no frequency). This variant has not been reported in the literature in individuals affected with MAP2K1-related conditions. Advanced modeling of protein sequence and biophysical properties (such as structural, functional, and spatial information, amino acid conservation, physicochemical variation, residue mobility, and thermodynamic stability) performed at Invitae indicates that this missense variant is not expected to disrupt MAP2K1 protein function. In summary, the available evidence is currently insufficient to determine the role of this variant in disease. Therefore, it has been classified as a Variant of Uncertain Significance.